The following is an entry in ClinVar:

ClinVar aggregate classification (germline): Benign. Review status: criteria provided, multiple submitters, no conflicts (2 of 4 stars). 4 submissions from 4 submitters: Benign (3). 1 of the submissions does not count toward it. Last evaluated 2021-07-14.

Conditions:
Ritscher-Schinzel syndrome 2. Identifiers: Orphanet 7, MedGen C4225419, MONDO:0010499, OMIM 300963.

Allele frequency attached by ClinVar (database versions not stated): TOPMed 0.41019; 1000 Genomes Project 30x 0.46452.

Submissions (4):

Genome-Nilou Lab
Classification: Benign for Ritscher-Schinzel syndrome 2. Last evaluated: 2021-07-14. Review status: criteria provided, single submitter. Criteria: ACMG Guidelines, 2015. Collection method: clinical testing. Allele origin: germline. Affected: no.

Eurofins Ntd Llc (ga)
Classification: Benign. Last evaluated: 2013-07-29. Review status: criteria provided, single submitter. Criteria: EGL Classification Definitions 2015. Collection method: clinical testing. Allele origin: germline. Observed: 1 variant allele, 1 hemizygote.

Breakthrough Genomics
Classification: Benign. Review status: criteria provided, single submitter. Criteria: ACMG Guidelines, 2015. Collection method: not provided. Allele origin: germline. Inheritance: X-linked inheritance. Affected: yes.

Genetic Services Laboratory, University of Chicago
Classification: Likely benign for AllHighlyPenetrant. Review status: no assertion criteria provided. Collection method: clinical testing. Allele origin: germline. Inheritance: X-linked inheritance. Not counted in ClinVar's aggregate classification.
Comment: Likely benign based on allele frequency in 1000 Genomes Project or ESP global frequency and its presence in a patient with a rare or unrelated disease phenotype. NOT Sanger confirmed.

NM_014008.5(CCDC22):c.747= (p.Gln249=)

Gene: CCDC22 (CCC complex scaffolding subunit CCDC22; plus strand). Cytogenetic location: Xp11.23.
Variant type: single nucleotide variant.
Coding change: c.747= on transcript NM_014008.5 (MANE Select); coding-DNA position 747, no change from the reference sequence.
Protein change: p.Gln249=; no amino-acid change (glutamine 249 retained).
Molecular consequence: no sequence alteration.
Genome position: GRCh38 VCF-style: chrX-49246763-A-A. GRCh37 (hg19) VCF-style: chrX-49103224-G-A.
Identifiers: ClinVar variation 95550 (VCV000095550.13), dbSNP rs2294020.